The following is an entry in ClinVar:

NM_001002295.2(GATA3):c.990G>A (p.Arg330=)

Gene: GATA3 (GATA binding protein 3; plus strand). Cytogenetic location: 10p14.
Variant type: single nucleotide variant.
Coding change: c.990G>A on transcript NM_001002295.2 (MANE Select); coding-DNA position 990, G replaced by A.
Protein change: p.Arg330=; no amino-acid change (arginine 330 retained).
Molecular consequence: synonymous variant.
Genome position (GRCh38, 1-based): chr10:8,069,538, G>A. VCF-style: chr10-8069538-G-A. GRCh37 (hg19) VCF-style: chr10-8111501-G-A.
Other names: c.987G>A, p.Arg329= (NM_002051.3).
Identifiers: ClinVar variation 879112 (VCV000879112.6), dbSNP rs374947324, ClinGen allele CA5404522.

ClinVar aggregate classification (germline): Conflicting classifications of pathogenicity. Review status: criteria provided, conflicting classifications (1 of 4 stars). 2 submissions from 2 submitters: Uncertain significance (1); Likely benign (1). Last evaluated 2025-10-01.

Conditions:
Hypoparathyroidism, deafness, renal disease syndrome (HDRS). Also called: HYPOPARATHYROIDISM, SENSORINEURAL DEAFNESS, AND RENAL DYSPLASIA SYNDROME. Identifiers: Orphanet 2237, MedGen C1840333, MONDO:0007797, OMIM 146255.

Allele frequency attached by ClinVar (database versions not stated): ExAC 0.00004; ESP Exome Variant Server 0.00008; gnomAD exomes 0.00008 and 0.00024; TOPMed 0.00011; gnomAD 0.00012 and 0.00013.
gnomAD v4.1: 373 of 1,614,000 alleles (0.023%); highest among the groups gnomAD compares: Non-Finnish European, 0.03%; no homozygotes.

Submissions (2):

Labcorp Genetics (formerly Invitae), Labcorp
Classification: Likely benign. Last evaluated: 2025-10-01. Review status: criteria provided, single submitter. Criteria: Invitae Variant Classification Sherloc (09022015). Collection method: clinical testing. Allele origin: germline.

Illumina Laboratory Services, Illumina
Classification: Uncertain significance for Hypoparathyroidism, deafness, renal disease syndrome. Last evaluated: 2017-04-27. Review status: criteria provided, single submitter. Criteria: ICSL Variant Classification Criteria 13 December 2019. Collection method: clinical testing. Allele origin: germline.
Comment: This variant was observed as part of a predisposition screen in an ostensibly healthy population. A literature search was performed for the gene, cDNA change, and amino acid change (where applicable). Publications were found based on this search. However, the evidence from the literature, in combination with allele frequency data from public databases where available, was not sufficient to rule this variant in or out of causing disease. Therefore, this variant is classified as a variant of unknown significance.

Literature cited by the submitters: PubMed 23435732 (cited by Illumina Laboratory Services, Illumina); PubMed 18621058 (cited by Illumina Laboratory Services, Illumina); PubMed 23142663 (cited by Illumina Laboratory Services, Illumina).